The following is an entry in ClinVar:

ClinVar aggregate classification (germline): Uncertain significance (1 of 4 stars; one submission).

Allele frequency attached by ClinVar (database versions not stated): ExAC 0.00001; ESP Exome Variant Server 0.00008.

Submission:

GeneDx
Classification: Uncertain significance. Last evaluated: 2023-10-12. Review status: criteria provided, single submitter. Criteria: GeneDx Variant Classification Process June 2021. Collection method: clinical testing. Allele origin: germline. Affected: yes.
Comment: Not observed in large population cohorts (gnomAD); In silico analysis supports that this missense variant does not alter protein structure/function; Has not been previously published as pathogenic or benign to our knowledge

NM_006922.4(SCN3A):c.5491A>G (p.Lys1831Glu)

Gene: SCN3A (sodium voltage-gated channel alpha subunit 3; minus strand). Cytogenetic location: 2q24.3.
Variant type: single nucleotide variant.
Coding change: c.5491A>G on transcript NM_006922.4 (MANE Select); coding-DNA position 5491, A replaced by G.
Protein change: p.Lys1831Glu; replaces lysine 1831 with glutamic acid.
Molecular consequence: missense variant.
Genome position (GRCh38, 1-based): chr2:165,090,662, T>C on the plus strand (A>G on the coding strand, the complement: SCN3A is on the minus strand). VCF-style: chr2-165090662-T-C. GRCh37 (hg19) VCF-style: chr2-165947172-T-C.
Other names: c.5344A>G, p.Lys1782Glu (NM_001081676.2, NM_001081677.2); short protein forms K1782E, K1831E.
Identifiers: ClinVar variation 2662811 (VCV002662811.1), dbSNP rs370622731, ClinGen allele CA1938397.